The following is an entry in ClinVar:

ClinVar aggregate classification (germline): Pathogenic (0 of 4 stars; one submission).

Submission:

GenMed Metabolism Lab
Classification: Pathogenic. Review status: no assertion criteria provided. Collection method: not provided. Allele origin: unknown.
Comment: Frameshift, Neonatal
ClinVar note: Converted during submission from pathogenic to Pathogenic.

NM_000531.6(OTC):c.876del (p.Val293fs)

Gene: OTC (ornithine transcarbamylase; plus strand). Cytogenetic location: Xp11.4.
Variant type: Deletion.
Coding change: c.876del on transcript NM_000531.6 (MANE Select); coding-DNA position 876, one base deleted (A; older notation c.876delA).
Protein change: p.Val293fs; shifts the reading frame from valine 293.
Molecular consequence: frameshift variant.
Genome position (GRCh38, 1-based): chrX:38,411,870, A deleted; the last of 3 consecutive A bases (chrX:38,411,868-38,411,870); deleting any one gives the same sequence. VCF-style (leftmost placement, unchanged base first): chrX-38411867-TA-T. GRCh37 (hg19) VCF-style: chrX-38271120-TA-T.
Other names: short protein forms V293fs.
Identifiers: ClinVar variation 97345 (VCV000097345.2), dbSNP rs72558457, ClinGen allele CA224817.